The following is an entry in ClinVar:

ClinVar aggregate classification (germline): Uncertain significance (1 of 4 stars; one submission).

Conditions:
Deficiency of malonyl-CoA decarboxylase. Also called: Malonic aciduria; MCD deficiency. Identifiers: Orphanet 943, MedGen C0342793, MONDO:0009556, OMIM 248360.

Allele frequency attached by ClinVar (database versions not stated): gnomAD 0.00001; gnomAD exomes 0.00001; TOPMed 0.00001; ExAC 0.00002.
gnomAD v4.1: 7 of 1,614,084 alleles (0.00043%); highest among the groups gnomAD compares: African/African-American, 0.0027%; no homozygotes.

Submission:

Labcorp Genetics (formerly Invitae), Labcorp
Classification: Uncertain significance for Deficiency of malonyl-CoA decarboxylase. Last evaluated: 2021-03-16. Review status: criteria provided, single submitter. Criteria: Invitae Variant Classification Sherloc (09022015). Collection method: clinical testing. Allele origin: germline.
Comment: In summary, the available evidence is currently insufficient to determine the role of this variant in disease. Therefore, it has been classified as a Variant of Uncertain Significance. Algorithms developed to predict the effect of sequence changes on RNA splicing suggest that this variant may create or strengthen a splice site, but this prediction has not been confirmed by published transcriptional studies. Advanced modeling of protein sequence and biophysical properties (such as structural, functional, and spatial information, amino acid conservation, physicochemical variation, residue mobility, and thermodynamic stability) performed at Invitae indicates that this missense variant is expected to disrupt MLYCD protein function. This variant has not been reported in the literature in individuals with MLYCD-related conditions. This variant is present in population databases (rs746782812, ExAC 0.003%). This sequence change replaces glycine with serine at codon 333 of the MLYCD protein (p.Gly333Ser). The glycine residue is highly conserved and there is a small physicochemical difference between glycine and serine.

NM_012213.3(MLYCD):c.997G>A (p.Gly333Ser)

Gene: MLYCD (malonyl-CoA decarboxylase; plus strand). Cytogenetic location: 16q23.3.
Variant type: single nucleotide variant.
Coding change: c.997G>A on transcript NM_012213.3 (MANE Select); coding-DNA position 997, G replaced by A.
Protein change: p.Gly333Ser; replaces glycine 333 with serine.
Molecular consequence: missense variant.
Genome position (GRCh38, 1-based): chr16:83,915,004, G>A. VCF-style: chr16-83915004-G-A. GRCh37 (hg19) VCF-style: chr16-83948609-G-A.
Other names: short protein forms G333S.
Identifiers: ClinVar variation 1388897 (VCV001388897.8), dbSNP rs746782812, ClinGen allele CA8197481.